The following is an entry in ClinVar:

ClinVar aggregate classification (germline): Uncertain significance. Review status: criteria provided, multiple submitters, no conflicts (2 of 4 stars). 9 submissions from 9 submitters: Uncertain significance (8). 1 of the submissions does not count toward it. Last evaluated 2025-10-23.

Conditions:
Pheochromocytoma/paraganglioma syndrome 3. Also called: Paragangliomas 3; SDHC-Related Hereditary Paraganglioma-Pheochromocytoma Syndrome (Paragangliomas 3); SDHC-Related Hereditary Paraganglioma-Pheochromocytoma Syndrome; GLOMUS TUMORS, FAMILIAL, 3. Identifiers: Orphanet 29072, MedGen C1854336, MONDO:0011544, OMIM 605373.
Gastrointestinal stromal tumor. Also called: Gastrointestinal stroma tumor; Gastrointestinal stromal tumor, somatic. Identifiers: Orphanet 44890, MedGen C0238198, MeSH D046152, MONDO:0011719, OMIM 606764, HP:0100723.
Hereditary cancer-predisposing syndrome. Also called: Hereditary Cancer Syndrome; Hereditary neoplastic syndrome; Tumor predisposition; Neoplastic Syndromes, Hereditary. Identifiers: Orphanet 140162, MedGen C0027672, MeSH D009386, MONDO:0015356.
Carney-Stratakis syndrome. Also called: PARAGANGLIOMA AND GASTROINTESTINAL STROMAL TUMOR. Identifiers: Orphanet 97286, MedGen C1847319, MONDO:0011740, OMIM 606864.

Allele frequency attached by ClinVar (database versions not stated): gnomAD 0.00001 and 0.00002; gnomAD exomes 0.00001 and 0.00002; TOPMed 0.00001; ExAC 0.00002.
gnomAD v4.1: 27 of 1,612,810 alleles (0.0017%); highest among the groups gnomAD compares: Non-Finnish European, 0.0023%; no homozygotes.

Submissions (9):

Labcorp Genetics (formerly Invitae), Labcorp
Classification: Uncertain significance for Pheochromocytoma/paraganglioma syndrome 3; Gastrointestinal stromal tumor. Last evaluated: 2025-10-23. Review status: criteria provided, single submitter. Criteria: Invitae Variant Classification Sherloc (09022015). Collection method: clinical testing. Allele origin: germline.
Comment: This sequence change replaces leucine, which is neutral and non-polar, with proline, which is neutral and non-polar, at codon 4 of the SDHC protein (p.Leu4Pro). This variant is present in population databases (rs774299337, gnomAD 0.002%). This variant has not been reported in the literature in individuals affected with SDHC-related conditions. ClinVar contains an entry for this variant (Variation ID: 371802). An algorithm developed to predict the effect of missense changes on protein structure and function (PolyPhen-2) suggests that this variant is likely to be tolerated. In summary, the available evidence is currently insufficient to determine the role of this variant in disease. Therefore, it has been classified as a Variant of Uncertain Significance.

Ambry Genetics
Classification: Uncertain significance for Hereditary cancer-predisposing syndrome. Last evaluated: 2025-05-11. Review status: criteria provided, single submitter. Criteria: Ambry Variant Classification Scheme 2023. Collection method: clinical testing. Allele origin: germline.
Comment: The p.L4P variant (also known as c.11T>C), located in coding exon 1 of the SDHC gene, results from a T to C substitution at nucleotide position 11. The leucine at codon 4 is replaced by proline, an amino acid with similar properties. This amino acid position is not well conserved in available vertebrate species. In addition, this alteration is predicted to be deleterious by in silico analysis. Since supporting evidence is limited at this time, the clinical significance of this alteration remains unclear.

GeneDx
Classification: Uncertain significance. Last evaluated: 2025-04-11. Review status: criteria provided, single submitter. Criteria: GeneDx Variant Classification Process June 2021. Collection method: clinical testing. Allele origin: germline.
Comment: Not observed at significant frequency in large population cohorts (gnomAD); In silico analysis supports that this missense variant has a deleterious effect on protein structure/function; Has not been previously published as pathogenic or benign to our knowledge

Quest Diagnostics Nichols Institute San Juan Capistrano
Classification: Uncertain significance. Last evaluated: 2025-04-04. Review status: criteria provided, single submitter. Criteria: Quest Diagnostics criteria. Collection method: clinical testing. Allele origin: unknown.
Comment: The SDHC c.11T>C (p.Leu4Pro) variant has not been reported in individuals with SDHC-related conditions in the published literature. The frequency of this variant in the general population (Genome Aggregation Database) is uninformative in the assessment of its pathogenicity. Analysis of this variant using bioinformatics tools for the prediction of the effect of amino acid changes on protein structure and function yielded conflicting predictions that this variant is deleterious or benign. Based on the available information, we are unable to determine the clinical significance of this variant.

Center for Genomic Medicine, Rigshospitalet, Copenhagen University Hospital
Classification: Uncertain significance. Last evaluated: 2025-03-04. Review status: criteria provided, single submitter. Criteria: ACMG Guidelines, 2015. Collection method: clinical testing. Allele origin: germline.

Fulgent Genetics
Classification: Uncertain significance for Pheochromocytoma/paraganglioma syndrome 3; Gastrointestinal stromal tumor; Carney-Stratakis syndrome. Last evaluated: 2024-02-18. Review status: criteria provided, single submitter. Criteria: ACMG Guidelines, 2015. Collection method: clinical testing. Allele origin: germline.

Baylor Genetics
Classification: Uncertain significance for Gastrointestinal stromal tumor. Last evaluated: 2023-06-26. Review status: criteria provided, single submitter. Criteria: ACMG Guidelines, 2015. Collection method: clinical testing. Allele origin: unknown.

Myriad Genetics, Inc.
Classification: Uncertain significance for Pheochromocytoma/paraganglioma syndrome 3. Last evaluated: 2023-04-24. Review status: criteria provided, single submitter. Criteria: Myriad Autosomal Dominant, Autosomal Recessive and X-Linked Classification Criteria (2023). Collection method: clinical testing. Allele origin: unknown.
Comment: This variant is classified as a variant of uncertain significance as there is insufficient evidence to determine its impact on protein function and/or cancer risk.

Counsyl
Classification: Uncertain significance for Pheochromocytoma/paraganglioma syndrome 3. Last evaluated: 2015-12-07. Review status: no assertion criteria provided. Collection method: clinical testing. Allele origin: unknown. Not counted in ClinVar's aggregate classification.

NM_003001.5(SDHC):c.11T>C (p.Leu4Pro)

Gene: SDHC (succinate dehydrogenase complex subunit C; plus strand). Cytogenetic location: 1q23.3.
Variant type: single nucleotide variant.
Coding change: c.11T>C on transcript NM_003001.5 (MANE Select); coding-DNA position 11, T replaced by C.
Protein change: p.Leu4Pro; replaces leucine 4 with proline.
Molecular consequence: missense variant.
Genome position (GRCh38, 1-based): chr1:161,314,416, T>C. VCF-style: chr1-161314416-T-C. GRCh37 (hg19) VCF-style: chr1-161284206-T-C.
Other names: c.11T>C, p.Leu4Pro (NM_001035511.3, NM_001035512.3, NM_001035513.3 and 6 more transcripts); c.-550T>C (NM_001407119.1); c.-219T>C (NM_001407120.1); short protein forms L4P.
Identifiers: ClinVar variation 371802 (VCV000371802.28), dbSNP rs774299337, ClinGen allele CA045713.